The following is an entry in ClinVar:

NM_025150.5(TARS2):c.774+5G>T

Gene: TARS2 (threonyl-tRNA synthetase 2, mitochondrial; plus strand). Cytogenetic location: 1q21.2.
Variant type: single nucleotide variant.
Coding change: c.774+5G>T on transcript NM_025150.5 (MANE Select); 5 bases into the intron after coding-DNA position 774, G replaced by T.
Molecular consequence: intron variant.
Genome position (GRCh38, 1-based): chr1:150,492,494, G>T. VCF-style: chr1-150492494-G-T. GRCh37 (hg19) VCF-style: chr1-150464970-G-T.
Other names: c.774+5G>T (NM_025150.4, NM_001271895.2); c.630+983G>T (NM_001271896.2).
Identifiers: ClinVar variation 1992423 (VCV001992423.24), dbSNP rs2526278171, ClinGen allele CA2580061022.

ClinVar aggregate classification (germline): Uncertain significance. Review status: criteria provided, single submitter (1 of 4 stars). 2 submissions from 2 submitters: Uncertain significance (1). 1 of the submissions does not count toward it. Last evaluated 2020-04-23.

Conditions:
Combined oxidative phosphorylation defect type 21. Also called: Combined oxidative phosphorylation deficiency 21. Identifiers: Orphanet 420733, MedGen C4706316, MONDO:0014398, OMIM 615918.

Submissions (2):

Revvity Omics, Revvity
Classification: Uncertain significance. Last evaluated: 2020-04-23. Review status: criteria provided, single submitter. Criteria: ACMG Guidelines, 2015. Collection method: clinical testing. Allele origin: germline.

Houlden Lab, UCL Institute of Neurology
Classification: Likely pathogenic for Combined oxidative phosphorylation defect type 21. Review status: no assertion criteria provided. Collection method: research. Allele origin: germline. Affected: yes. Not counted in ClinVar's aggregate classification.
Comment: This variant was identified in a compound heterozygous state with another TARS2 variant (c.1026G>C) for this condition.